The following is an entry in ClinVar:

ClinVar aggregate classification (germline): Pathogenic/Likely pathogenic. Review status: criteria provided, multiple submitters, no conflicts (2 of 4 stars). 3 submissions from 3 submitters: Pathogenic (1); Likely pathogenic (1). 1 of the submissions does not count toward it. Last evaluated 2025-08-24.

Conditions:
Homocystinuria-megaloblastic anemia cblD type. Identifiers: MedGen C1848553, MONDO:0700297, OMIM 620952.
Methylmalonic aciduria and homocystinuria type cblD (MAHCD). Also called: METHYLMALONIC ACIDEMIA, cblH TYPE; Methylmalonic aciduria with homocystinuria cblD type. Identifiers: Orphanet 622, Orphanet 79283, MedGen C1848552, MONDO:0010185, OMIM 277410.

Allele frequency attached by ClinVar (database versions not stated): TOPMed 0.00001; gnomAD exomes 0.00002; ExAC 0.00002.

Submissions (3):

Natera, Inc.
Classification: Likely pathogenic for Methylmalonic aciduria with homocystinuria cblD type. Last evaluated: 2025-08-24. Review status: criteria provided, single submitter. Criteria: Natera Variant Classification Schema (03/2026). Collection method: clinical testing. Allele origin: germline.
Comment: The c.776T>C variant in MMADHC is a missense variant predicted to cause substitution of leucine to proline at amino acid 259. This variant is rare in the general population with a frequency below the threshold expected for the associated phenotype(s). This variant has been observed in one or more individuals affected with the associated recessive disease, as either homozygous or compound heterozygous with a second variant (PMID: 18385497). Functional studies show that this variant may disrupt protein function (PMID: 18385497, 22156578, 24722857). Computational prediction algorithms indicate this variant is likely to affect gene or protein function. Given the available evidence, this variant is classified as Likely Pathogenic.

Department of Pathology and Laboratory Medicine, Sinai Health System
Classification: Pathogenic for Methylmalonic aciduria and homocystinuria type cblD. Last evaluated: 2022-11-29. Review status: criteria provided, single submitter. Criteria: ACMG Guidelines, 2015. Collection method: research. Allele origin: germline.

OMIM
Classification: Pathogenic for HOMOCYSTINURIA-MEGALOBLASTIC ANEMIA, cblD TYPE. Last evaluated: 2008-04-03. Review status: no assertion criteria provided. Collection method: literature only. Allele origin: germline. Not counted in ClinVar's aggregate classification.

Literature cited by the submitters: PubMed 18385497 (cited by Natera, Inc. and OMIM); PubMed 22156578 (cited by Natera, Inc.); PubMed 24722857 (cited by Natera, Inc.); PubMed 15292234 (cited by OMIM).

NM_015702.3(MMADHC):c.776T>C (p.Leu259Pro)

Gene: MMADHC (metabolism of cobalamin associated D; minus strand). Cytogenetic location: 2q23.2.
Variant type: single nucleotide variant.
Coding change: c.776T>C on transcript NM_015702.3 (MANE Select); coding-DNA position 776, T replaced by C.
Protein change: p.Leu259Pro; replaces leucine 259 with proline.
Molecular consequence: missense variant.
Genome position (GRCh38, 1-based): chr2:149,570,089, A>G on the plus strand (T>C on the coding strand, the complement: MMADHC is on the minus strand). VCF-style: chr2-149570089-A-G. GRCh37 (hg19) VCF-style: chr2-150426603-A-G.
Other names: c.776T>C (NM_015702.2); short protein forms L259P.
Identifiers: ClinVar variation 761 (VCV000000761.7), dbSNP rs118204044, ClinGen allele CA114486.